The following is an entry in ClinVar:

NM_020433.5(JPH2):c.1124G>A (p.Arg375His)

Gene: JPH2 (junctophilin 2; minus strand). Cytogenetic location: 20q13.12.
Variant type: single nucleotide variant.
Coding change: c.1124G>A on transcript NM_020433.5 (MANE Select); coding-DNA position 1124, G replaced by A.
Protein change: p.Arg375His; replaces arginine 375 with histidine.
Molecular consequence: missense variant.
Genome position (GRCh38, 1-based): chr20:44,159,663, C>T on the plus strand (G>A on the coding strand, the complement: JPH2 is on the minus strand). VCF-style: chr20-44159663-C-T. GRCh37 (hg19) VCF-style: chr20-42788303-C-T.
Other names: short protein forms R375H.
Identifiers: ClinVar variation 4876727 (VCV004876727.2).

ClinVar aggregate classification (germline): Uncertain significance. Review status: criteria provided, multiple submitters, no conflicts (2 of 4 stars). 2 submissions from 2 submitters: Uncertain significance (2). Last evaluated 2026-08-03.

Conditions:
Hypertrophic cardiomyopathy 17. Identifiers: MedGen C3151264, MONDO:0013474, OMIM 613873.
Cardiovascular phenotype. Identifiers: MedGen CN230736.

gnomAD v4.1: 4 of 1,610,490 alleles (0.00025%); highest among the groups gnomAD compares: Non-Finnish European, 0.00025%; no homozygotes.

Submissions (2):

Ambry Genetics
Classification: Uncertain significance for Cardiovascular phenotype. Last evaluated: 2026-08-03. Review status: criteria provided, single submitter. Criteria: Ambry Variant Classification Scheme 2023. Collection method: clinical testing. Allele origin: germline.
Comment: The p.R375H variant (also known as c.1124G>A), located in coding exon 2 of the JPH2 gene, results from a G to A substitution at nucleotide position 1124. The arginine at codon 375 is replaced by histidine, an amino acid with highly similar properties. This amino acid position is conserved. In addition, the in silico prediction for this alteration is inconclusive. Based on the available evidence, the clinical significance of this variant remains unclear.

Medgenome Labs Ltd
Classification: Uncertain significance for Hypertrophic cardiomyopathy 17. Last evaluated: 2026-07-07. Review status: criteria provided, single submitter. Criteria: ACMG Guidelines, 2015. Collection method: clinical testing. Allele origin: germline. Affected: yes.